The following is an entry in ClinVar:

NM_000092.5(COL4A4):c.3170G>T (p.Gly1057Val)

Gene: COL4A4 (collagen type IV alpha 4 chain; minus strand). Cytogenetic location: 2q36.3.
Variant type: single nucleotide variant.
Coding change: c.3170G>T on transcript NM_000092.5 (MANE Select); coding-DNA position 3170, G replaced by T.
Protein change: p.Gly1057Val; replaces glycine 1057 with valine.
Molecular consequence: missense variant.
Genome position (GRCh38, 1-based): chr2:227,050,112, C>A on the plus strand (G>T on the coding strand, the complement: COL4A4 is on the minus strand). VCF-style: chr2-227050112-C-A. GRCh37 (hg19) VCF-style: chr2-227914828-C-A.
Other names: short protein forms G1057V.
Identifiers: ClinVar variation 1508976 (VCV001508976.8), dbSNP rs2150172729, ClinGen allele CA350838876.

ClinVar aggregate classification (germline): Pathogenic (1 of 4 stars; one submission).

Submission:

Labcorp Genetics (formerly Invitae), Labcorp
Classification: Pathogenic. Last evaluated: 2024-01-31. Review status: criteria provided, single submitter. Criteria: Invitae Variant Classification Sherloc (09022015). Collection method: clinical testing. Allele origin: germline.
Comment: This sequence change replaces glycine, which is neutral and non-polar, with valine, which is neutral and non-polar, at codon 1057 of the COL4A4 protein (p.Gly1057Val). This variant is not present in population databases (gnomAD no frequency). This missense change has been observed in individuals with clinical features of Alport syndrome (Invitae). It has also been observed to segregate with disease in related individuals. ClinVar contains an entry for this variant (Variation ID: 1508976). Advanced modeling of protein sequence and biophysical properties (such as structural, functional, and spatial information, amino acid conservation, physicochemical variation, residue mobility, and thermodynamic stability) performed at Invitae indicates that this missense variant is expected to disrupt COL4A4 protein function with a positive predictive value of 95%. For these reasons, this variant has been classified as Pathogenic.